The following is an entry in ClinVar:

NM_000444.6(PHEX):c.1768+3A>T

Genes: PHEX (phosphate regulating endopeptidase X-linked; plus strand), PTCHD1-AS (PTCHD1 and PHEX antisense RNA; minus strand). Cytogenetic location: Xp22.11.
Variant type: single nucleotide variant.
Coding change: c.1768+3A>T on transcript NM_000444.6 (MANE Select); 3 bases into the intron after coding-DNA position 1768, A replaced by T.
Molecular consequence: intron variant.
Genome position (GRCh38, 1-based): chrX:22,219,106, A>T. VCF-style: chrX-22219106-A-T. GRCh37 (hg19) VCF-style: chrX-22237223-A-T.
Other names: c.1768+3A>T (NM_001282754.2).
Identifiers: ClinVar variation 4726609 (VCV004726609.1).

ClinVar aggregate classification (germline): Uncertain significance (1 of 4 stars; one submission).

Submission:

Labcorp Genetics (formerly Invitae), Labcorp
Classification: Uncertain significance. Last evaluated: 2025-09-03. Review status: criteria provided, single submitter. Criteria: Invitae Variant Classification Sherloc (09022015). Collection method: clinical testing. Allele origin: germline.
Comment: This sequence change falls in intron 17 of the PHEX gene. It does not directly change the encoded amino acid sequence of the PHEX protein. It affects a nucleotide within the consensus splice site. This variant is not present in population databases (gnomAD no frequency). This variant has not been reported in the literature in individuals affected with PHEX-related conditions. Variants that disrupt the consensus splice site are a relatively common cause of aberrant splicing (PMID: 17576681, 9536098). Algorithms developed to predict the effect of sequence changes on RNA splicing suggest that this variant may disrupt the consensus splice site. In summary, the available evidence is currently insufficient to determine the role of this variant in disease. Therefore, it has been classified as a Variant of Uncertain Significance.

Literature cited by the submitters: PubMed 17576681; PubMed 9536098.